The following is an entry in ClinVar:

NM_005228.5(EGFR):c.1963C>T (p.Leu655Phe)

Gene: EGFR (epidermal growth factor receptor; plus strand). Cytogenetic location: 7p11.2.
Variant type: single nucleotide variant.
Coding change: c.1963C>T on transcript NM_005228.5 (MANE Select); coding-DNA position 1963, C replaced by T.
Protein change: p.Leu655Phe; replaces leucine 655 with phenylalanine.
Molecular consequence: missense variant.
Genome position (GRCh38, 1-based): chr7:55,173,026, C>T. VCF-style: chr7-55173026-C-T. GRCh37 (hg19) VCF-style: chr7-55240719-C-T.
Other names: c.1828C>T, p.Leu610Phe (NM_001346897.2, NM_001346899.2); c.1963C>T, p.Leu655Phe (NM_001346898.2); c.1804C>T, p.Leu602Phe (NM_001346900.2); c.1162C>T, p.Leu388Phe (NM_001346941.2); short protein forms L610F, L655F, L602F, L388F.
Identifiers: ClinVar variation 2179611 (VCV002179611.5), dbSNP rs767037049, ClinGen allele CA367583001.

ClinVar aggregate classification (germline): Uncertain significance. Review status: criteria provided, multiple submitters, no conflicts (2 of 4 stars). 2 submissions from 2 submitters: Uncertain significance (2). Last evaluated 2025-12-04.

Conditions:
Hereditary cancer-predisposing syndrome. Also called: Hereditary Cancer Syndrome; Neoplastic Syndromes, Hereditary; Tumor predisposition; Hereditary neoplastic syndrome. Identifiers: Orphanet 140162, MedGen C0027672, MeSH D009386, MONDO:0015356.
EGFR-related lung cancer (EGFR). Identifiers: MedGen CN130014.

Submissions (2):

Ambry Genetics
Classification: Uncertain significance for Hereditary cancer-predisposing syndrome. Last evaluated: 2025-12-04. Review status: criteria provided, single submitter. Criteria: Ambry Variant Classification Scheme 2023. Collection method: clinical testing. Allele origin: germline.
Comment: The p.L655F variant (also known as c.1963C>T), located in coding exon 17 of the EGFR gene, results from a C to T substitution at nucleotide position 1963. The leucine at codon 655 is replaced by phenylalanine, an amino acid with highly similar properties. This amino acid position is well conserved in available vertebrate species; however, phenylalanine is the reference amino acid in other vertebrate species. In addition, this alteration is predicted to be tolerated by in silico analysis. Based on the available evidence, the clinical significance of this variant remains unclear.

Labcorp Genetics (formerly Invitae), Labcorp
Classification: Uncertain significance for EGFR-related lung cancer. Last evaluated: 2024-06-28. Review status: criteria provided, single submitter. Criteria: Invitae Variant Classification Sherloc (09022015). Collection method: clinical testing. Allele origin: germline.
Comment: This sequence change replaces leucine, which is neutral and non-polar, with phenylalanine, which is neutral and non-polar, at codon 655 of the EGFR protein (p.Leu655Phe). This variant is present in population databases (no rsID available, gnomAD 0.0009%). This variant has not been reported in the literature in individuals affected with EGFR-related conditions. ClinVar contains an entry for this variant (Variation ID: 2179611). Algorithms developed to predict the effect of missense changes on protein structure and function output the following: SIFT: "Not Available"; PolyPhen-2: "Benign"; Align-GVGD: "Not Available". The phenylalanine amino acid residue is found in multiple mammalian species, which suggests that this missense change does not adversely affect protein function. In summary, the available evidence is currently insufficient to determine the role of this variant in disease. Therefore, it has been classified as a Variant of Uncertain Significance.